The following is an entry in ClinVar:

NM_025114.4(CEP290):c.4954G>T (p.Glu1652Ter)

Gene: CEP290 (centrosomal protein 290; minus strand). Cytogenetic location: 12q21.32.
Variant type: single nucleotide variant.
Coding change: c.4954G>T on transcript NM_025114.4 (MANE Select); coding-DNA position 4954, G replaced by T.
Protein change: p.Glu1652Ter; replaces glutamic acid 1652 with a stop codon.
Molecular consequence: nonsense.
Genome position (GRCh38, 1-based): chr12:88,083,089, C>A on the plus strand (G>T on the coding strand, the complement: CEP290 is on the minus strand). VCF-style: chr12-88083089-C-A. GRCh37 (hg19) VCF-style: chr12-88476866-C-A.
Other names: short protein forms E1652*.
Identifiers: ClinVar variation 2948221 (VCV002948221.3), dbSNP rs2499956762, ClinGen allele CA385992779.

ClinVar aggregate classification (germline): Pathogenic (1 of 4 stars; one submission).

Conditions:
Joubert syndrome. Also called: CEREBELLOPARENCHYMAL DISORDER IV; JOUBERT-BOLTSHAUSER SYNDROME; Familial aplasia of the vermis. Identifiers: Orphanet 475, MedGen C5979921, MONDO:0018772.
Nephronophthisis. Also called: Juvenile Nephronophthisis. Identifiers: Orphanet 655, MedGen C0687120, MONDO:0019005, HP:0000090.
Meckel-Gruber syndrome. Also called: DYSENCEPHALIA SPLANCHNOCYSTICA; GRUBER SYNDROME; Dysencephalia splachnocystica. Identifiers: Orphanet 564, MedGen C0265215, MONDO:0018921.

Submission:

Labcorp Genetics (formerly Invitae), Labcorp
Classification: Pathogenic for Joubert syndrome; Meckel-Gruber syndrome; Nephronophthisis. Last evaluated: 2023-07-31. Review status: criteria provided, single submitter. Criteria: Invitae Variant Classification Sherloc (09022015). Collection method: clinical testing. Allele origin: germline.
Comment: For these reasons, this variant has been classified as Pathogenic. This premature translational stop signal has been observed in individual(s) with Meckel syndrome (PMID: 34821546). This variant is not present in population databases (gnomAD no frequency). This sequence change creates a premature translational stop signal (p.Glu1652*) in the CEP290 gene. It is expected to result in an absent or disrupted protein product. Loss-of-function variants in CEP290 are known to be pathogenic (PMID: 16909394, 17345604, 20690115).

Literature cited by the submitters: PubMed 34821546; PubMed 16909394; PubMed 17345604; PubMed 20690115.